The following is an entry in ClinVar:

NM_001382567.1(STIM1):c.2109G>T (p.Lys703Asn)

Gene: STIM1 (stromal interaction molecule 1; plus strand). Cytogenetic location: 11p15.4.
Variant type: single nucleotide variant.
Coding change: c.2109G>T on transcript NM_001382567.1 (MANE Select); coding-DNA position 2109, G replaced by T.
Protein change: p.Lys703Asn; replaces lysine 703 with asparagine.
Molecular consequence: missense variant. On other transcripts: non-coding transcript variant (3), 3 prime UTR variant (4).
Genome position (GRCh38, 1-based): chr11:4,091,756, G>T. VCF-style: chr11-4091756-G-T. GRCh37 (hg19) VCF-style: chr11-4112986-G-T.
Other names: c.2334G>T, p.Lys778Asn (NM_001277961.3); c.*430G>T (NM_001277962.2, NM_001382578.1, NM_001382579.1 and 1 more transcripts); c.2112G>T, p.Lys704Asn (NM_001382566.1); c.2037G>T, p.Lys679Asn (NM_001382568.1); c.1881G>T, p.Lys627Asn (NM_001382569.1); c.1788G>T, p.Lys596Asn (NM_001382570.1); c.1536G>T, p.Lys512Asn (NM_001382571.1); c.1794G>T, p.Lys598Asn (NM_001382575.1, NM_001382576.1, NM_001382577.1); and 2 more; short protein forms K509N, K703N, K704N, K596N, K627N, K679N, K778N, K512N.
Identifiers: ClinVar variation 2943525 (VCV002943525.4), dbSNP rs2498547326, ClinGen allele CA379198350.
Genomic context (GRCh38, chr11:4,091,756, plus strand): 5'-TGTGGCTGAGGAGGATAATGGCTCTATTGGCGAGGAAACAGACTCCAGCCCAGGCCGGAA[G>T]AAGTTTCCCCTCAAAATCTTTAAGAAGCCTCTTAAGAAGTAGGCAGGATGGGGTGGCAGT-3'
Protein context (NP_001369496.1, residues 693-713): GEETDSSPGR[Lys703Asn]KFPLKIFKKP

ClinVar aggregate classification (germline): Uncertain significance. Review status: criteria provided, multiple submitters, no conflicts (2 of 4 stars). 2 submissions from 2 submitters: Uncertain significance (2). Last evaluated 2024-07-18.

Conditions:
Stormorken syndrome (STRMK). Also called: THROMBOCYTOPATHY, ASPLENIA, AND MIOSIS. Identifiers: Orphanet 3204, MedGen C1861451, MONDO:0008497, OMIM 185070.
Combined immunodeficiency due to STIM1 deficiency. Also called: IMMUNODEFICIENCY 10; STIM1 DEFICIENCY. Identifiers: Orphanet 169090, Orphanet 317430, MedGen C2748557, MONDO:0013008, OMIM 612783.
Myopathy with tubular aggregates (TAM). Also called: Tubular Aggregate Myopathy. Identifiers: Orphanet 2593, MedGen C0410207, MONDO:0008051.

Submissions (2):

GeneDx
Classification: Uncertain significance. Last evaluated: 2024-07-18. Review status: criteria provided, single submitter. Criteria: GeneDx Variant Classification Process June 2021. Collection method: clinical testing. Allele origin: germline. Affected: yes.
Comment: Not observed at significant frequency in large population cohorts (gnomAD); In silico analysis indicates that this missense variant does not alter protein structure/function; Has not been previously published as pathogenic or benign to our knowledge

Labcorp Genetics (formerly Invitae), Labcorp
Classification: Uncertain significance for Myopathy with tubular aggregates; Combined immunodeficiency due to STIM1 deficiency; Stormorken syndrome. Last evaluated: 2023-11-18. Review status: criteria provided, single submitter. Criteria: Invitae Variant Classification Sherloc (09022015). Collection method: clinical testing. Allele origin: germline.
Comment: This sequence change replaces lysine, which is basic and polar, with asparagine, which is neutral and polar, at codon 672 of the STIM1 protein (p.Lys672Asn). This variant is not present in population databases (gnomAD no frequency). This variant has not been reported in the literature in individuals affected with STIM1-related conditions. Advanced modeling of protein sequence and biophysical properties (such as structural, functional, and spatial information, amino acid conservation, physicochemical variation, residue mobility, and thermodynamic stability) has been performed at Invitae for this missense variant, however the output from this modeling did not meet the statistical confidence thresholds required to predict the impact of this variant on STIM1 protein function. In summary, the available evidence is currently insufficient to determine the role of this variant in disease. Therefore, it has been classified as a Variant of Uncertain Significance.